The following is an entry in ClinVar:

NM_000143.4(FH):c.1237-5C>T

Gene: FH (fumarate hydratase; minus strand). Cytogenetic location: 1q43.
Variant type: single nucleotide variant.
Coding change: c.1237-5C>T on transcript NM_000143.4 (MANE Select); 5 bases into the intron before coding-DNA position 1237, C replaced by T.
Molecular consequence: intron variant.
Genome position (GRCh38, 1-based): chr1:241,500,595, G>A on the plus strand (C>T on the coding strand, the complement: FH is on the minus strand). VCF-style: chr1-241500595-G-A. GRCh37 (hg19) VCF-style: chr1-241663895-G-A.
Identifiers: ClinVar variation 413614 (VCV000413614.15), dbSNP rs200926050, ClinGen allele CA16610039.
Genomic context (GRCh38, chr1:241,500,595, plus strand): 5'-GTAAAGGAAACTGAAGCATCCCCCAGCAGCCTGGCTGAGTGTAACACATTTTTAATCTTT[G>A]AGTGAGTGAGAGAGAGAGAGAGAGAGAGAGAGAGAGAGAGAGAGACATTACTAAGGCAAC-3'

ClinVar aggregate classification (germline): Likely benign. Review status: criteria provided, multiple submitters, no conflicts (2 of 4 stars). 3 submissions from 3 submitters: Likely benign (3). Last evaluated 2025-10-10.

Conditions:
Hereditary cancer-predisposing syndrome. Also called: Neoplastic Syndromes, Hereditary; Hereditary Cancer Syndrome; Hereditary neoplastic syndrome; Tumor predisposition. Identifiers: Orphanet 140162, MedGen C0027672, MeSH D009386, MONDO:0015356.
Hereditary leiomyomatosis and renal cell cancer. Also called: MULTIPLE CUTANEOUS AND UTERINE LEIOMYOMATA 1, WITH OR WITHOUT RENAL CELL CARCINOMA; Familial leiomyomatosis; LEIOMYOMA, MULTIPLE CUTANEOUS; FH tumor predisposition syndrome; Multiple cutaneous leiomyomas; Reed syndrome. Identifiers: Orphanet 523, MedGen C1708350, MONDO:0007888, OMIM 150800, HP:0007437. Disease mechanism: loss of function.

Allele frequency attached by ClinVar (database versions not stated): gnomAD exomes below 0.00001; ESP Exome Variant Server 0.00008.

Submissions (3):

Labcorp Genetics (formerly Invitae), Labcorp
Classification: Likely benign. Last evaluated: 2025-10-10. Review status: criteria provided, single submitter. Criteria: Invitae Variant Classification Sherloc (09022015). Collection method: clinical testing. Allele origin: germline.

Myriad Genetics, Inc.
Classification: Likely benign for Hereditary leiomyomatosis and renal cell cancer. Last evaluated: 2024-10-21. Review status: criteria provided, single submitter. Criteria: Myriad Autosomal Dominant, Autosomal Recessive and X-Linked Classification Criteria (2023). Collection method: clinical testing. Allele origin: unknown.
Comment: This variant is considered likely benign. This variant is intronic and is not expected to impact mRNA splicing.

Ambry Genetics
Classification: Likely benign for Hereditary cancer-predisposing syndrome. Last evaluated: 2020-11-04. Review status: criteria provided, single submitter. Criteria: Ambry Variant Classification Scheme 2023. Collection method: clinical testing. Allele origin: germline.